The following is an entry in ClinVar:

NM_004329.3(BMPR1A):c.587A>T (p.Asp196Val)

Gene: BMPR1A (bone morphogenetic protein receptor type 1A; plus strand). Cytogenetic location: 10q23.2.
Variant type: single nucleotide variant.
Coding change: c.587A>T on transcript NM_004329.3 (MANE Select); coding-DNA position 587, A replaced by T.
Protein change: p.Asp196Val; replaces aspartic acid 196 with valine.
Molecular consequence: missense variant.
Genome position (GRCh38, 1-based): chr10:86,912,296, A>T. VCF-style: chr10-86912296-A-T. GRCh37 (hg19) VCF-style: chr10-88672053-A-T.
Other names: c.662A>T, p.Asp221Val (NM_001406559.1); c.635A>T, p.Asp212Val (NM_001406560.1); c.587A>T, p.Asp196Val (NM_001406561.1, NM_001406562.1, NM_001406563.1 and 20 more transcripts); c.503A>T, p.Asp168Val (NM_001406584.1, NM_001406585.1, NM_001406586.1 and 2 more transcripts); short protein forms D212V, D168V, D221V, D196V.
Identifiers: ClinVar variation 1750242 (VCV001750242.5), dbSNP rs141608069, ClinGen allele CA377454603.

ClinVar aggregate classification (germline): Uncertain significance. Review status: criteria provided, multiple submitters, no conflicts (2 of 4 stars). 2 submissions from 2 submitters: Uncertain significance (2). Last evaluated 2024-02-15.

Conditions:
Hereditary cancer-predisposing syndrome. Also called: Neoplastic Syndromes, Hereditary; Tumor predisposition; Hereditary neoplastic syndrome; Hereditary Cancer Syndrome. Identifiers: Orphanet 140162, MedGen C0027672, MeSH D009386, MONDO:0015356.
Juvenile polyposis syndrome (JPS). Identifiers: Orphanet 2929, MedGen C0345893, MONDO:0017380, OMIM 174900.

Submissions (2):

Labcorp Genetics (formerly Invitae), Labcorp
Classification: Uncertain significance for Juvenile polyposis syndrome. Last evaluated: 2024-02-15. Review status: criteria provided, single submitter. Criteria: Invitae Variant Classification Sherloc (09022015). Collection method: clinical testing. Allele origin: germline.
Comment: This sequence change replaces aspartic acid, which is acidic and polar, with valine, which is neutral and non-polar, at codon 196 of the BMPR1A protein (p.Asp196Val). This variant is not present in population databases (gnomAD no frequency). This variant has not been reported in the literature in individuals affected with BMPR1A-related conditions. ClinVar contains an entry for this variant (Variation ID: 1750242). Advanced modeling of protein sequence and biophysical properties (such as structural, functional, and spatial information, amino acid conservation, physicochemical variation, residue mobility, and thermodynamic stability) performed at Invitae indicates that this missense variant is not expected to disrupt BMPR1A protein function with a negative predictive value of 80%. In summary, the available evidence is currently insufficient to determine the role of this variant in disease. Therefore, it has been classified as a Variant of Uncertain Significance.

Ambry Genetics
Classification: Uncertain significance for Hereditary cancer-predisposing syndrome. Last evaluated: 2022-07-11. Review status: criteria provided, single submitter. Criteria: Ambry Variant Classification Scheme 2023. Collection method: clinical testing. Allele origin: germline.
Comment: The p.D196V variant (also known as c.587A>T), located in coding exon 6 of the BMPR1A gene, results from an A to T substitution at nucleotide position 587. The aspartic acid at codon 196 is replaced by valine, an amino acid with highly dissimilar properties. This amino acid position is conserved. In addition, the in silico prediction for this alteration is inconclusive. Since supporting evidence is limited at this time, the clinical significance of this alteration remains unclear.